The following is an entry in ClinVar:

NM_001165963.4(SCN1A):c.788T>C (p.Leu263Pro)

Gene: SCN1A (sodium voltage-gated channel alpha subunit 1; minus strand). Cytogenetic location: 2q24.3.
Variant type: single nucleotide variant.
Coding change: c.788T>C on transcript NM_001165963.4 (MANE Select); coding-DNA position 788, T replaced by C.
Protein change: p.Leu263Pro; replaces leucine 263 with proline.
Molecular consequence: missense variant. On other transcripts: 5 prime UTR variant (1), non-coding transcript variant (1).
Genome position (GRCh38, 1-based): chr2:166,051,895, A>G on the plus strand (T>C on the coding strand, the complement: SCN1A is on the minus strand). VCF-style: chr2-166051895-A-G. GRCh37 (hg19) VCF-style: chr2-166908405-A-G.
Other names: c.788T>C, p.Leu263Pro (NM_001165964.3, NM_001202435.3, NM_001353948.2 and 10 more transcripts); c.-1638T>C (NM_001353961.2); short protein forms L263P.
Identifiers: ClinVar variation 846430 (VCV000846430.10), dbSNP rs1698602170, ClinGen allele CA349073370.

ClinVar aggregate classification (germline): Likely pathogenic (1 of 4 stars; one submission).

Conditions:
Early-infantile DEE. Also called: Ohtahara syndrome; Early infantile epileptic encephalopathy with suppression bursts; Early infantile epileptic encephalopathy. Identifiers: Orphanet 1934, MedGen C0393706, MONDO:0800491.

Submission:

Labcorp Genetics (formerly Invitae), Labcorp
Classification: Likely pathogenic for Early-infantile DEE. Last evaluated: 2022-03-02. Review status: criteria provided, single submitter. Criteria: Invitae Variant Classification Sherloc (09022015). Collection method: clinical testing. Allele origin: germline.
Comment: ClinVar contains an entry for this variant (Variation ID: 846430). This missense change has been observed in individual(s) with Dravet syndrome (Invitae). This variant is not present in population databases (gnomAD no frequency). This sequence change replaces leucine, which is neutral and non-polar, with proline, which is neutral and non-polar, at codon 263 of the SCN1A protein (p.Leu263Pro). Advanced modeling of protein sequence and biophysical properties (such as structural, functional, and spatial information, amino acid conservation, physicochemical variation, residue mobility, and thermodynamic stability) performed at Invitae indicates that this missense variant is expected to disrupt SCN1A protein function. In summary, the currently available evidence indicates that the variant is pathogenic, but additional data are needed to prove that conclusively. Therefore, this variant has been classified as Likely Pathogenic.